The following is an entry in ClinVar:

ClinVar aggregate classification (germline): Uncertain significance. Review status: criteria provided, multiple submitters, no conflicts (2 of 4 stars). 3 submissions from 3 submitters: Uncertain significance (3). Last evaluated 2026-01-19.

Conditions:
Emery-Dreifuss muscular dystrophy 4, autosomal dominant (EDMD4). Also called: EMERY-DREIFUSS MUSCULAR DYSTROPHY 4 WITH VARIABLE FEATURES. Identifiers: Orphanet 261, MedGen C2751807, MONDO:0013071, OMIM 612998.
Autosomal recessive ataxia, Beauce type. Also called: Spinocerebellar ataxia, autosomal recessive 8; SYNE1 Deficiency; ATAXIA, RECESSIVE, OF BEAUCE; SYNE1-Related Autosomal Recessive Cerebellar Ataxia. Identifiers: Orphanet 88644, MedGen C1853116, MONDO:0012549, OMIM 610743.

Allele frequency attached by ClinVar (database versions not stated): ExAC 0.00001; gnomAD exomes 0.00001; TOPMed 0.00001; gnomAD 0.00002.
gnomAD v4.1: 7 of 1,614,038 alleles (0.00043%); highest among the groups gnomAD compares: African/African-American, 0.0013%; no homozygotes.

Submissions (3):

Labcorp Genetics (formerly Invitae), Labcorp
Classification: Uncertain significance for Emery-Dreifuss muscular dystrophy 4, autosomal dominant; Autosomal recessive ataxia, Beauce type. Last evaluated: 2026-01-19. Review status: criteria provided, single submitter. Criteria: Invitae Variant Classification Sherloc (09022015). Collection method: clinical testing. Allele origin: germline.
Comment: This sequence change replaces alanine, which is neutral and non-polar, with threonine, which is neutral and polar, at codon 5815 of the SYNE1 protein (p.Ala5815Thr). This variant is present in population databases (rs774189380, gnomAD 0.002%). This variant has not been reported in the literature in individuals affected with SYNE1-related conditions. ClinVar contains an entry for this variant (Variation ID: 595805). An algorithm developed to predict the effect of missense changes on protein structure and function (PolyPhen-2) suggests that this variant is likely to be disruptive. In summary, the available evidence is currently insufficient to determine the role of this variant in disease. Therefore, it has been classified as a Variant of Uncertain Significance.

Blueprint Genetics
Classification: Uncertain significance. Last evaluated: 2022-09-05. Review status: criteria provided, single submitter. Criteria: ACMG Guidelines, 2015. Collection method: clinical testing. Allele origin: germline.

Eurofins Ntd Llc (ga)
Classification: Uncertain significance. Last evaluated: 2018-01-22. Review status: criteria provided, single submitter. Criteria: EGL Classification Definitions 2015. Collection method: clinical testing. Allele origin: germline. Observed: 1 variant allele, 1 heterozygote.

NM_182961.4(SYNE1):c.17656G>A (p.Ala5886Thr)

Gene: SYNE1 (spectrin repeat containing nuclear envelope protein 1; minus strand). Cytogenetic location: 6q25.2.
Variant type: single nucleotide variant.
Coding change: c.17656G>A on transcript NM_182961.4 (MANE Select); coding-DNA position 17656, G replaced by A.
Protein change: p.Ala5886Thr; replaces alanine 5886 with threonine.
Molecular consequence: missense variant.
Genome position (GRCh38, 1-based): chr6:152,300,667, C>T on the plus strand (G>A on the coding strand, the complement: SYNE1 is on the minus strand). VCF-style: chr6-152300667-C-T. GRCh37 (hg19) VCF-style: chr6-152621802-C-T.
Other names: c.17443G>A, p.Ala5815Thr (NM_033071.5); short protein forms A5815T, A5886T.
Identifiers: ClinVar variation 595805 (VCV000595805.8), dbSNP rs774189380, ClinGen allele CA4055170.
Genomic context (GRCh38, chr6:152,300,667, plus strand): 5'-GATTATTGCTAGAGGAATGCCAACTGGGAGGTACCTGGTTAACAGAAGCATCTGTATTAG[C>T]CACAGGTGAAGGGGAGCGACAGGCAGGTGGAGAGGAAATCTCACTGTTGGTTCCCTCCTC-3'
Protein context (NP_892006.3, residues 5876-5896): PPACRSPSPV[Ala5886Thr]NTDASVNQDI